The following is an entry in ClinVar:

ClinVar aggregate classification (germline): Uncertain significance (1 of 4 stars; one submission).

Conditions:
ALG12-congenital disorder of glycosylation (CDG1G). Also called: ALG12-CDG; Congenital disorder of glycosylation, type Ig; CDG Ig. Identifiers: Orphanet 79324, MedGen C2931001, MONDO:0011783, OMIM 607143.

Allele frequency attached by ClinVar (database versions not stated): TOPMed below 0.00001.

Submission:

Labcorp Genetics (formerly Invitae), Labcorp
Classification: Uncertain significance for ALG12-congenital disorder of glycosylation. Last evaluated: 2021-09-29. Review status: criteria provided, single submitter. Criteria: Invitae Variant Classification Sherloc (09022015). Collection method: clinical testing. Allele origin: germline.
Comment: In summary, the available evidence is currently insufficient to determine the role of this variant in disease. Therefore, it has been classified as a Variant of Uncertain Significance. Algorithms developed to predict the effect of missense changes on protein structure and function are either unavailable or do not agree on the potential impact of this missense change (SIFT: "Deleterious"; PolyPhen-2: "Probably Damaging"; Align-GVGD: "Class C0"). This variant has not been reported in the literature in individuals affected with ALG12-related conditions. This variant is not present in population databases (ExAC no frequency). This sequence change replaces arginine with threonine at codon 184 of the ALG12 protein (p.Arg184Thr). The arginine residue is highly conserved and there is a moderate physicochemical difference between arginine and threonine.

NM_024105.4(ALG12):c.551G>C (p.Arg184Thr)

Gene: ALG12 (ALG12 alpha-1,6-mannosyltransferase; minus strand). Cytogenetic location: 22q13.33.
Variant type: single nucleotide variant.
Coding change: c.551G>C on transcript NM_024105.4 (MANE Select); coding-DNA position 551, G replaced by C.
Protein change: p.Arg184Thr; replaces arginine 184 with threonine.
Molecular consequence: missense variant.
Genome position (GRCh38, 1-based): chr22:49,910,007, C>G on the plus strand (G>C on the coding strand, the complement: ALG12 is on the minus strand). VCF-style: chr22-49910007-C-G. GRCh37 (hg19) VCF-style: chr22-50303655-C-G.
Other names: short protein forms R184T.
Identifiers: ClinVar variation 1391154 (VCV001391154.6), dbSNP rs1358548843, ClinGen allele CA412075280.